The following is an entry in ClinVar:

ClinVar aggregate classification (germline): Uncertain significance (1 of 4 stars; one submission).

Submission:

Labcorp Genetics (formerly Invitae), Labcorp
Classification: Uncertain significance. Last evaluated: 2026-01-24. Review status: criteria provided, single submitter. Criteria: Invitae Variant Classification Sherloc (09022015). Collection method: clinical testing. Allele origin: germline.
Comment: This sequence change replaces glycine, which is neutral and non-polar, with serine, which is neutral and polar, at codon 229 of the COL9A3 protein (p.Gly229Ser). This variant is not present in population databases (gnomAD no frequency). This variant has not been reported in the literature in individuals affected with COL9A3-related conditions. Experimental studies and prediction algorithms are not available or were not evaluated, and the functional significance of this variant is currently unknown. In summary, the available evidence is currently insufficient to determine the role of this variant in disease. Therefore, it has been classified as a Variant of Uncertain Significance.

NM_001853.4(COL9A3):c.685G>A (p.Gly229Ser)

Gene: COL9A3 (collagen type IX alpha 3 chain; plus strand). Cytogenetic location: 20q13.33.
Variant type: single nucleotide variant.
Coding change: c.685G>A on transcript NM_001853.4 (MANE Select); coding-DNA position 685, G replaced by A.
Protein change: p.Gly229Ser; replaces glycine 229 with serine.
Molecular consequence: missense variant.
Genome position (GRCh38, 1-based): chr20:62,826,204, G>A. VCF-style: chr20-62826204-G-A. GRCh37 (hg19) VCF-style: chr20-61457556-G-A.
Other names: short protein forms G229S.
Identifiers: ClinVar variation 4775399 (VCV004775399.1).